The following is an entry in ClinVar:

ClinVar aggregate classification (germline): Uncertain significance (1 of 4 stars; one submission).

Submission:

Labcorp Genetics (formerly Invitae), Labcorp
Classification: Uncertain significance. Last evaluated: 2023-09-25. Review status: criteria provided, single submitter. Criteria: Invitae Variant Classification Sherloc (09022015). Collection method: clinical testing. Allele origin: germline.
Comment: In summary, the available evidence is currently insufficient to determine the role of this variant in disease. Therefore, it has been classified as a Variant of Uncertain Significance. An algorithm developed to predict the effect of missense changes on protein structure and function (PolyPhen-2) suggests that this variant is likely to be disruptive. This variant has not been reported in the literature in individuals affected with TRIM8-related conditions. This variant is not present in population databases (gnomAD no frequency). This sequence change replaces glutamic acid, which is acidic and polar, with glutamine, which is neutral and polar, at codon 183 of the TRIM8 protein (p.Glu183Gln).

NM_030912.3(TRIM8):c.547G>C (p.Glu183Gln)

Gene: TRIM8 (tripartite motif containing 8; plus strand). Cytogenetic location: 10q24.32.
Variant type: single nucleotide variant.
Coding change: c.547G>C on transcript NM_030912.3 (MANE Select); coding-DNA position 547, G replaced by C.
Protein change: p.Glu183Gln; replaces glutamic acid 183 with glutamine.
Molecular consequence: missense variant. On other transcripts: non-coding transcript variant (1).
Genome position (GRCh38, 1-based): chr10:102,645,164, G>C. VCF-style: chr10-102645164-G-C. GRCh37 (hg19) VCF-style: chr10-104404921-G-C.
Other names: c.547G>C, p.Glu183Gln (NM_001345950.1); short protein forms E183Q.
Identifiers: ClinVar variation 2806350 (VCV002806350.3), dbSNP rs2492888595, ClinGen allele CA377925993.
Genomic context (GRCh38, chr10:102,645,164, plus strand): 5'-GTGTGCCAGTACTGCTGCTACTACAGCGGCGCGCATCAGGGACACTCGGTGTGCGACGTG[G>C]AGATCCGAAGGAATGAAATCCGGGCAAGTACCCTACGCGCGCGCGCGCACACACACACAC-3'
Protein context (NP_112174.2, residues 173-193): AHQGHSVCDV[Glu183Gln]IRRNEIRKML